The following is an entry in ClinVar:

ClinVar aggregate classification (germline): Uncertain significance (1 of 4 stars; one submission).

Submission:

Geisinger Autism and Developmental Medicine Institute, Geisinger Health System
Classification: Uncertain significance. Last evaluated: 2018-04-13. Review status: criteria provided, single submitter. Criteria: ACMG CNV Guidelines, 2011. Collection method: provider interpretation. Allele origin: paternal.
Comment: This duplication includes 4 genes, none of which are currently associated with a known clinical syndrome. DECIPHER reports one individual with a small duplication within this region in an individual with hypotonia, intellectual disability/developmental delay, microcephaly, proportionate short stature, and strabismus. The clinical significance of three copies of these genes remains unclear at this time.

Single allele

Variant type: Duplication.
Identifiers: ClinVar variation 559475 (VCV000559475.3).